The following is an entry in ClinVar:

NM_000238.4(KCNH2):c.1676T>C (p.Leu559Pro)

Gene: KCNH2 (potassium voltage-gated channel subfamily H member 2; minus strand). Cytogenetic location: 7q36.1.
Variant type: single nucleotide variant.
Coding change: c.1676T>C on transcript NM_000238.4 (MANE Select); coding-DNA position 1676, T replaced by C.
Protein change: p.Leu559Pro; replaces leucine 559 with proline.
Molecular consequence: missense variant.
Genome position (GRCh38, 1-based): chr7:150,951,717, A>G on the plus strand (T>C on the coding strand, the complement: KCNH2 is on the minus strand). VCF-style: chr7-150951717-A-G. GRCh37 (hg19) VCF-style: chr7-150648805-A-G.
Other names: c.656T>C, p.Leu219Pro (NM_001204798.2, NM_172057.3); c.1388T>C, p.Leu463Pro (NM_001406753.1, NM_001406756.1); c.1499T>C, p.Leu500Pro (NM_001406755.1); c.1376T>C, p.Leu459Pro (NM_001406757.1); c.1676T>C, p.Leu559Pro (NM_172056.3); short protein forms L559P, L219P, L500P, L463P, L459P.
Identifiers: ClinVar variation 656408 (VCV000656408.9), dbSNP rs199472920, ClinGen allele CA369858828.

ClinVar aggregate classification (germline): Uncertain significance (1 of 4 stars; one submission).

Conditions:
Long QT syndrome (LQTS). Identifiers: MedGen C0023976, MeSH D008133, MONDO:0002442. Disease mechanism: loss of function. Inheritance: Various modes of inheritance.

Submission:

Labcorp Genetics (formerly Invitae), Labcorp
Classification: Uncertain significance for Long QT syndrome. Last evaluated: 2018-12-27. Review status: criteria provided, single submitter. Criteria: Invitae Variant Classification Sherloc (09022015). Collection method: clinical testing. Allele origin: germline.
Comment: Algorithms developed to predict the effect of missense changes on protein structure and function are either unavailable or do not agree on the potential impact of this missense change (SIFT: "Deleterious"; PolyPhen-2: "Probably Damaging"; Align-GVGD: "Class C15"). This variant has not been reported in the literature in individuals with KCNH2-related conditions. This variant is not present in population databases (ExAC no frequency). This sequence change replaces leucine with proline at codon 559 of the KCNH2 protein (p.Leu559Pro). The leucine residue is highly conserved and there is a moderate physicochemical difference between leucine and proline. In summary, the available evidence is currently insufficient to determine the role of this variant in disease. Therefore, it has been classified as a Variant of Uncertain Significance.